The following is an entry in ClinVar:

NM_002294.3(LAMP2):c.638C>T (p.Thr213Ile)

Gene: LAMP2 (lysosome associated membrane protein 2; minus strand). Cytogenetic location: Xq24.
Variant type: single nucleotide variant.
Coding change: c.638C>T on transcript NM_002294.3 (MANE Select); coding-DNA position 638, C replaced by T.
Protein change: p.Thr213Ile; replaces threonine 213 with isoleucine.
Molecular consequence: missense variant.
Genome position (GRCh38, 1-based): chrX:120,447,944, G>A on the plus strand (C>T on the coding strand, the complement: LAMP2 is on the minus strand). VCF-style: chrX-120447944-G-A. GRCh37 (hg19) VCF-style: chrX-119581799-G-A.
Other names: c.638C>T, p.Thr213Ile (NM_001122606.1, NM_013995.2); short protein forms T213I.
Identifiers: ClinVar variation 1753219 (VCV001753219.4), dbSNP rs2058604875, ClinGen allele CA414401515.

ClinVar aggregate classification (germline): Uncertain significance. Review status: criteria provided, multiple submitters, no conflicts (2 of 4 stars). 2 submissions from 2 submitters: Uncertain significance (2). Last evaluated 2025-01-28.

Conditions:
Danon disease. Also called: ANTOPOL DISEASE; PSEUDOGLYCOGENOSIS II; GSD IIb; LYSOSOMAL GLYCOGEN STORAGE DISEASE WITHOUT ACID MALTASE DEFICIENCY; Glycogen Storage Disease Type IIb. Identifiers: Orphanet 34587, MedGen C0878677, MONDO:0010281, OMIM 300257.
Cardiovascular phenotype. Identifiers: MedGen CN230736.

Submissions (2):

Labcorp Genetics (formerly Invitae), Labcorp
Classification: Uncertain significance for Danon disease. Last evaluated: 2025-01-28. Review status: criteria provided, single submitter. Criteria: Invitae Variant Classification Sherloc (09022015). Collection method: clinical testing. Allele origin: germline.
Comment: This sequence change replaces threonine, which is neutral and polar, with isoleucine, which is neutral and non-polar, at codon 213 of the LAMP2 protein (p.Thr213Ile). This variant is not present in population databases (gnomAD no frequency). This variant has not been reported in the literature in individuals affected with LAMP2-related conditions. ClinVar contains an entry for this variant (Variation ID: 1753219). Invitae Evidence Modeling of protein sequence and biophysical properties (such as structural, functional, and spatial information, amino acid conservation, physicochemical variation, residue mobility, and thermodynamic stability) indicates that this missense variant is not expected to disrupt LAMP2 protein function with a negative predictive value of 80%. In summary, the available evidence is currently insufficient to determine the role of this variant in disease. Therefore, it has been classified as a Variant of Uncertain Significance.

Ambry Genetics
Classification: Uncertain significance for Cardiovascular phenotype. Last evaluated: 2021-12-15. Review status: criteria provided, single submitter. Criteria: Ambry Variant Classification Scheme 2023. Collection method: clinical testing. Allele origin: germline.
Comment: The p.T213I variant (also known as c.638C>T), located in coding exon 5 of the LAMP2 gene, results from a C to T substitution at nucleotide position 638. The threonine at codon 213 is replaced by isoleucine, an amino acid with similar properties. This amino acid position is not well conserved in available vertebrate species. In addition, this alteration is predicted to be tolerated by in silico analysis. Since supporting evidence is limited at this time, the clinical significance of this alteration remains unclear.